The following is an entry in ClinVar:

ClinVar aggregate classification (germline): Benign/Likely benign. Review status: criteria provided, multiple submitters, no conflicts (2 of 4 stars). 5 submissions from 5 submitters: Benign (2); Likely benign (2). 1 of the submissions does not count toward it. Last evaluated 2026-01-26.

Conditions:
NHS-related disorder. Also called: NHS-related condition.
Inborn genetic diseases. Identifiers: MedGen C0950123, MeSH D030342.
Nance-Horan syndrome (NHS). Identifiers: Orphanet 627, MedGen C0796085, MONDO:0010545, OMIM 302350.

Allele frequency attached by ClinVar (database versions not stated): ESP Exome Variant Server 0.00009; gnomAD exomes 0.00012 and 0.00050; gnomAD 0.00018 and 0.00019; ExAC 0.00059; TOPMed 0.00060.
gnomAD v4.1: 159 of 1,209,941 alleles (0.013%); highest among the groups gnomAD compares: Admixed American, 0.23%; 2 homozygotes.

Submissions (5):

Labcorp Genetics (formerly Invitae), Labcorp
Classification: Benign for Nance-Horan syndrome. Last evaluated: 2026-01-26. Review status: criteria provided, single submitter. Criteria: Invitae Variant Classification Sherloc (09022015). Collection method: clinical testing. Allele origin: germline.

Blueprint Genetics
Classification: Likely benign. Last evaluated: 2024-09-03. Review status: criteria provided, single submitter. Criteria: ACMG Guidelines, 2015. Collection method: clinical testing. Allele origin: germline.

Ambry Genetics
Classification: Benign for Inborn genetic diseases. Last evaluated: 2016-10-28. Review status: criteria provided, single submitter. Criteria: Ambry Variant Classification Scheme 2023. Collection method: clinical testing. Allele origin: germline.

Genetic Services Laboratory, University of Chicago
Classification: Likely benign. Last evaluated: 2015-07-17. Review status: criteria provided, single submitter. Criteria: ACMG Guidelines, 2015. Collection method: clinical testing. Allele origin: germline.

PreventionGenetics, part of Exact Sciences
Classification: Likely benign for NHS-related condition. Last evaluated: 2019-06-26. Review status: no assertion criteria provided. Collection method: clinical testing. Allele origin: germline. Not counted in ClinVar's aggregate classification.
Comment: This variant is classified as likely benign based on ACMG/AMP sequence variant interpretation guidelines (Richards et al. 2015 PMID: 25741868, with internal and published modifications).

NM_001291867.2(NHS):c.4051G>A (p.Asp1351Asn)

Gene: NHS (NHS actin remodeling regulator; plus strand). Cytogenetic location: Xp22.13.
Variant type: single nucleotide variant.
Coding change: c.4051G>A on transcript NM_001291867.2 (MANE Select); coding-DNA position 4051, G replaced by A.
Protein change: p.Asp1351Asn; replaces aspartic acid 1351 with asparagine.
Molecular consequence: missense variant.
Genome position (GRCh38, 1-based): chrX:17,728,157, G>A. VCF-style: chrX-17728157-G-A. GRCh37 (hg19) VCF-style: chrX-17746277-G-A.
Other names: c.3520G>A, p.Asp1174Asn (NM_001136024.4); c.3457G>A, p.Asp1153Asn (NM_001291868.2); c.3988G>A, p.Asp1330Asn (NM_198270.4); short protein forms D1330N, D1153N, D1351N, D1174N.
Identifiers: ClinVar variation 211599 (VCV000211599.22), dbSNP rs148418212, ClinGen allele CA206419.